The following is an entry in ClinVar:

ClinVar aggregate classification (germline): Uncertain significance (1 of 4 stars; one submission).

Conditions:
Hereditary cancer-predisposing syndrome. Also called: Neoplastic Syndromes, Hereditary; Tumor predisposition; Hereditary neoplastic syndrome; Hereditary Cancer Syndrome. Identifiers: Orphanet 140162, MedGen C0027672, MeSH D009386, MONDO:0015356.

Submission:

Ambry Genetics
Classification: Uncertain significance for Hereditary cancer-predisposing syndrome. Last evaluated: 2023-01-04. Review status: criteria provided, single submitter. Criteria: Ambry Variant Classification Scheme 2023. Collection method: clinical testing. Allele origin: germline.
Comment: The p.T774P variant (also known as c.2320A>C), located in coding exon 10 of the BRCA2 gene, results from an A to C substitution at nucleotide position 2320. The threonine at codon 774 is replaced by proline, an amino acid with highly similar properties. This amino acid position is not well conserved in available vertebrate species. In addition, this alteration is predicted to be tolerated by in silico analysis. Since supporting evidence is limited at this time, the clinical significance of this alteration remains unclear.

NM_000059.4(BRCA2):c.2320A>C (p.Thr774Pro)

Gene: BRCA2 (BRCA2 DNA repair associated; plus strand). Cytogenetic location: 13q13.1.
Variant type: single nucleotide variant.
Coding change: c.2320A>C on transcript NM_000059.4 (MANE Select); coding-DNA position 2320, A replaced by C.
Protein change: p.Thr774Pro; replaces threonine 774 with proline.
Molecular consequence: missense variant. On other transcripts: non-coding transcript variant (1), intron variant (2).
Genome position (GRCh38, 1-based): chr13:32,336,675, A>C. VCF-style: chr13-32336675-A-C. GRCh37 (hg19) VCF-style: chr13-32910812-A-C.
Other names: c.2320A>C, p.Thr774Pro (NM_001406719.1, NM_001406720.1); c.1909+3288A>C (NM_001406721.1); c.424+5645A>C (NM_001406722.1); short protein forms T774P.
Identifiers: ClinVar variation 2451514 (VCV002451514.2), dbSNP rs55968715, ClinGen allele CA387771442.